The following is an entry in ClinVar:

ClinVar aggregate classification (germline): Uncertain significance (1 of 4 stars; one submission).

Submission:

Labcorp Genetics (formerly Invitae), Labcorp
Classification: Uncertain significance. Last evaluated: 2024-04-05. Review status: criteria provided, single submitter. Criteria: Invitae Variant Classification Sherloc (09022015). Collection method: clinical testing. Allele origin: germline.
Comment: This sequence change replaces proline, which is neutral and non-polar, with arginine, which is basic and polar, at codon 119 of the COL4A1 protein (p.Pro119Arg). This variant is not present in population databases (gnomAD no frequency). This variant has not been reported in the literature in individuals affected with COL4A1-related conditions. Advanced modeling of protein sequence and biophysical properties (such as structural, functional, and spatial information, amino acid conservation, physicochemical variation, residue mobility, and thermodynamic stability) performed at Invitae indicates that this missense variant is not expected to disrupt COL4A1 protein function with a negative predictive value of 95%. In summary, the available evidence is currently insufficient to determine the role of this variant in disease. Therefore, it has been classified as a Variant of Uncertain Significance.

NM_001845.6(COL4A1):c.356C>G (p.Pro119Arg)

Gene: COL4A1 (collagen type IV alpha 1 chain; minus strand). Cytogenetic location: 13q34.
Variant type: single nucleotide variant.
Coding change: c.356C>G on transcript NM_001845.6 (MANE Select); coding-DNA position 356, C replaced by G.
Protein change: p.Pro119Arg; replaces proline 119 with arginine.
Molecular consequence: missense variant.
Genome position (GRCh38, 1-based): chr13:110,212,448, G>C on the plus strand (C>G on the coding strand, the complement: COL4A1 is on the minus strand). VCF-style: chr13-110212448-G-C. GRCh37 (hg19) VCF-style: chr13-110864795-G-C.
Other names: c.356C>G, p.Pro119Arg (NM_001303110.2); short protein forms P119R.
Identifiers: ClinVar variation 3683647 (VCV003683647.2).